The following is an entry in ClinVar:

ClinVar aggregate classification (germline): Benign. Review status: criteria provided, multiple submitters, no conflicts (2 of 4 stars). 5 submissions from 5 submitters: Benign (4). 1 of the submissions does not count toward it. Last evaluated 2026-02-04.

Conditions:
Oculocerebrodental syndrome (OCSKD). Also called: OCULOSKELETODENTAL SYNDROME; CATARACTS, EARLY-ONSET, WITH SKELETAL AND DENTAL ANOMALIES. Identifiers: Orphanet 557003, MedGen C5193101, MONDO:0034145, OMIM 618440.
PIK3C2A-related disorder. Also called: PIK3C2A-related condition.

Allele frequency attached by ClinVar (database versions not stated): 1000 Genomes Project 0.36402; 1000 Genomes Project 30x 0.36711; TOPMed 0.41010; gnomAD exomes 0.41020 and 0.45518; ExAC 0.41326; gnomAD 0.42232 and 0.42543; ESP Exome Variant Server 0.43531.
gnomAD v4.1: 727,867 of 1,613,408 alleles (45%); highest among the groups gnomAD compares: Non-Finnish European, 48%; 167,878 homozygotes.

Submissions (5):

Labcorp Genetics (formerly Invitae), Labcorp
Classification: Benign. Last evaluated: 2026-02-04. Review status: criteria provided, single submitter. Criteria: Invitae Variant Classification Sherloc (09022015). Collection method: clinical testing. Allele origin: germline.

Blueprint Genetics
Classification: Benign. Last evaluated: 2024-11-27. Review status: criteria provided, single submitter. Criteria: ACMG Guidelines, 2015. Collection method: clinical testing. Allele origin: germline.

Genome-Nilou Lab
Classification: Benign for Oculocerebrodental syndrome. Last evaluated: 2021-09-05. Review status: criteria provided, single submitter. Criteria: ACMG Guidelines, 2015. Collection method: clinical testing. Allele origin: germline. Affected: no.

Breakthrough Genomics
Classification: Benign. Review status: criteria provided, single submitter. Criteria: ACMG Guidelines, 2015. Collection method: not provided. Allele origin: germline. Inheritance: Autosomal recessive inheritance. Affected: yes.

PreventionGenetics, part of Exact Sciences
Classification: Benign for PIK3C2A-related condition. Last evaluated: 2019-10-30. Review status: no assertion criteria provided. Collection method: clinical testing. Allele origin: germline. Not counted in ClinVar's aggregate classification.
Comment: This variant is classified as benign based on ACMG/AMP sequence variant interpretation guidelines (Richards et al. 2015 PMID: 25741868, with internal and published modifications).

NM_002645.4(PIK3C2A):c.270T>C (p.Ile90=)

Gene: PIK3C2A (phosphatidylinositol-4-phosphate 3-kinase catalytic subunit type 2 alpha; minus strand). Cytogenetic location: 11p15.1.
Variant type: single nucleotide variant.
Coding change: c.270T>C on transcript NM_002645.4 (MANE Select); coding-DNA position 270, T replaced by C.
Protein change: p.Ile90=; no amino-acid change (isoleucine 90 retained).
Molecular consequence: synonymous variant. On other transcripts: intron variant (1).
Genome position (GRCh38, 1-based): chr11:17,169,472, A>G on the plus strand (T>C on the coding strand, the complement: PIK3C2A is on the minus strand). VCF-style: chr11-17169472-A-G. GRCh37 (hg19) VCF-style: chr11-17191019-A-G.
Other names: c.270T>C, p.Ile90= (NM_001321378.2, NM_001386870.1); c.-75-13843T>C (NM_001321380.2); c.270T>C (NM_001321378.1).
Identifiers: ClinVar variation 1327031 (VCV001327031.14), dbSNP rs214936, ClinGen allele CA5901597.